The following is an entry in ClinVar:

ClinVar aggregate classification (germline): Likely pathogenic (1 of 4 stars; one submission).

Conditions:
Coffin-Siris syndrome 1 (CSS1). Also called: ARID1B-Related Coffin-Siris Syndrome; Mental retardation, autosomal dominant 12. Identifiers: Orphanet 1465, MedGen C3281201, MONDO:0007617, OMIM 135900. Disease mechanism: gain of function.

Submission:

Diagnostics Services (NGS), CSIR - Centre For Cellular And Molecular Biology
Classification: Likely pathogenic for Coffin-Siris syndrome 1. Last evaluated: 2026-06-05. Review status: criteria provided, single submitter. Criteria: ACMG Guidelines, 2015. Collection method: clinical testing. Allele origin: germline. Affected: yes. Observed: 1 variant allele, 1 heterozygote.
Comment: The c.2564dup variant is not present in publicly available population databases like 1000 Genome, EVS, gnomAD, Indian Exome Database or in our internal database. This variant has neither been published in the literature for ARID1B-related conditions nor reported to clinical databases like Human Genome Mutation Database (HGMD), ClinVar or OMIM in any affected individuals. In-silico pathogenicity prediction programs like MutationTaster2021, CADD, Franklin, Varsome etc predicted this variant to be likely deleterious. This variant causes frameshift at the 856th amino acid position of the wild-type transcript that creates a premature translational stop signal at the altered transcript that may either result in translation of a truncated protein or cause nonsense mediated decay of the mRNA.

NM_001374828.1(ARID1B):c.2564dup (p.Met856fs)

Gene: ARID1B (AT-rich interaction domain 1B; plus strand). Cytogenetic location: 6q25.3.
Variant type: Duplication.
Coding change: c.2564dup on transcript NM_001374828.1 (MANE Select); coding-DNA position 2564, one base duplicated (C; older notation c.2564dupC).
Protein change: p.Met856fs; shifts the reading frame from methionine 856.
Molecular consequence: frameshift variant. On other transcripts: intron variant (1).
Genome position (GRCh38, 1-based): chr6:157,110,544, C duplicated; the last of 2 consecutive C bases (chr6:157,110,543-157,110,544); duplicating either gives the same sequence. VCF-style (leftmost placement, unchanged base first): chr6-157110542-A-AC. GRCh37 (hg19) VCF-style: chr6-157431676-A-AC.
Other names: c.65dup, p.Met23fs (NM_001363725.2, NM_001438488.1); c.2603dup, p.Met869fs (NM_001371656.1, NM_001374820.1); c.2564dup, p.Met856fs (NM_001438482.1, NM_001438487.1, NM_017519.3); c.2606dup, p.Met870fs (NM_001438483.1, NM_001438486.1); c.2492-22484dup (NM_001438485.1); short protein forms M23fs, M856fs, M869fs, M870fs.
Identifiers: ClinVar variation 4884505 (VCV004884505.1).